The following is an entry in ClinVar:

ClinVar aggregate classification (germline): Uncertain significance (0 of 4 stars; one submission).

Conditions:
GPR156-related disorder. Also called: GPR156-related condition.

Submission:

PreventionGenetics, part of Exact Sciences
Classification: Uncertain significance for GPR156-related condition. Last evaluated: 2024-09-18. Review status: no assertion criteria provided. Collection method: clinical testing. Allele origin: germline.
Comment: The GPR156 c.597G>T variant is predicted to result in the amino acid substitution p.Met199Ile. To our knowledge, this variant has not been reported in the literature. This variant is reported in 0.0040% of alleles in individuals of African descent in gnomAD. At this time, the clinical significance of this variant is uncertain due to the absence of conclusive functional and genetic evidence.

NM_153002.3(GPR156):c.597G>T (p.Met199Ile)

Gene: GPR156 (G protein-coupled receptor 156; minus strand). Cytogenetic location: 3q13.33.
Variant type: single nucleotide variant.
Coding change: c.597G>T on transcript NM_153002.3 (MANE Select); coding-DNA position 597, G replaced by T.
Protein change: p.Met199Ile; replaces methionine 199 with isoleucine.
Molecular consequence: missense variant. On other transcripts: intron variant (1).
Genome position (GRCh38, 1-based): chr3:120,186,661, C>A on the plus strand (G>T on the coding strand, the complement: GPR156 is on the minus strand). VCF-style: chr3-120186661-C-A. GRCh37 (hg19) VCF-style: chr3-119905508-C-A.
Other names: c.588+9G>T (NM_001168271.2); short protein forms M199I.
Identifiers: ClinVar variation 3351127 (VCV003351127.1).
Genomic context (GRCh38, chr3:120,186,661, plus strand): 5'-ATCCACAGAGGTCAGTCCAGTTTGGGGATGAGATTCTCTAGGGATTTGGCCCCTCACCGT[C>A]ATACTGACACTGAGAATCTGGAGGCACTGGATGGGATCAGTCAGCACCCACGTCATGAGC-3'
Protein context (NP_694547.2, residues 189-209): IQCLQILSVS[Met199Ile]TVTGKDVSCT